The following is an entry in ClinVar:

NM_001042492.3(NF1):c.147del (p.Lys48_Tyr49insTer)

Gene: NF1 (neurofibromin 1; plus strand). Cytogenetic location: 17q11.2.
Variant type: Deletion.
Coding change: c.147del on transcript NM_001042492.3 (MANE Select); coding-DNA position 147, one base deleted (C; older notation c.147delC).
Protein change: p.Lys48_Tyr49insTer.
Molecular consequence: nonsense. On other transcripts: frameshift variant (1).
Genome position (GRCh38, 1-based): chr17:31,156,069, C deleted. VCF-style (leftmost placement, unchanged base first): chr17-31156068-AC-A. GRCh37 (hg19) VCF-style: chr17-29483086-AC-A.
Other names: c.147delC, p.Tyr49Terfs (NM_000267.4); c.147del, p.Lys48_Tyr49insTer (NM_001128147.3).
Identifiers: ClinVar variation 805082 (VCV000805082.1), dbSNP rs1597626031, ClinGen allele CA645589517.

ClinVar aggregate classification (germline): Pathogenic (1 of 4 stars; one submission).

Submission:

Athena Diagnostics
Classification: Pathogenic. Last evaluated: 2019-07-22. Review status: criteria provided, single submitter. Criteria: Athena Diagnostics Criteria. Collection method: clinical testing. Allele origin: germline.
Comment: The variant results in a shift of the reading frame, and is therefore predicted to result in the loss of a functional protein. Found in at least one symptomatic patient, and not found in general population data.

Literature cited by the submitters: PubMed 23913538.